The following is an entry in ClinVar:

NM_138413.4(HOGA1):c.974G>A (p.Gly325Asp)

Gene: HOGA1 (4-hydroxy-2-oxoglutarate aldolase 1; plus strand). Cytogenetic location: 10q24.2.
Variant type: single nucleotide variant.
Coding change: c.974G>A on transcript NM_138413.4 (MANE Select); coding-DNA position 974, G replaced by A.
Protein change: p.Gly325Asp; replaces glycine 325 with aspartic acid.
Molecular consequence: missense variant.
Genome position (GRCh38, 1-based): chr10:97,611,649, G>A. VCF-style: chr10-97611649-G-A. GRCh37 (hg19) VCF-style: chr10-99371406-G-A.
Other names: c.485G>A, p.Gly162Asp (NM_001134670.2); short protein forms G325D, G162D.
Identifiers: ClinVar variation 2913653 (VCV002913653.3), dbSNP rs2540086855, ClinGen allele CA377983904.

ClinVar aggregate classification (germline): Likely pathogenic (1 of 4 stars; one submission).

Allele frequency attached by ClinVar (database versions not stated): gnomAD exomes below 0.00001.
gnomAD v4.1: 7 of 1,613,124 alleles (0.00043%); highest among the groups gnomAD compares: Non-Finnish European, 0.00042%; no homozygotes.

Submission:

Labcorp Genetics (formerly Invitae), Labcorp
Classification: Likely pathogenic. Last evaluated: 2023-09-21. Review status: criteria provided, single submitter. Criteria: Invitae Variant Classification Sherloc (09022015). Collection method: clinical testing. Allele origin: germline.
Comment: Advanced modeling of protein sequence and biophysical properties (such as structural, functional, and spatial information, amino acid conservation, physicochemical variation, residue mobility, and thermodynamic stability) performed at Invitae indicates that this missense variant is expected to disrupt HOGA1 protein function. This variant has not been reported in the literature in individuals affected with HOGA1-related conditions. This variant is not present in population databases (gnomAD no frequency). This sequence change replaces glycine, which is neutral and non-polar, with aspartic acid, which is acidic and polar, at codon 325 of the HOGA1 protein (p.Gly325Asp). This variant disrupts the p.Gly325 amino acid residue in HOGA1. Other variant(s) that disrupt this residue have been determined to be pathogenic (PMID: 25644115, 34245816). This suggests that this residue is clinically significant, and that variants that disrupt this residue are likely to be disease-causing. In summary, the currently available evidence indicates that the variant is pathogenic, but additional data are needed to prove that conclusively. Therefore, this variant has been classified as Likely Pathogenic.

Literature cited by the submitters: PubMed 25644115; PubMed 34245816.